The following is an entry in ClinVar:

NM_181426.2(CCDC39):c.*546A>C

Genes: TTC14 (tetratricopeptide repeat domain 14; plus strand), CCDC39 (coiled-coil domain 39 molecular ruler complex subunit; minus strand). Cytogenetic location: 3q26.33.
Variant type: single nucleotide variant.
Coding change: c.*546A>C on transcript NM_181426.2 (MANE Select); 546 bases downstream of the stop codon, A replaced by C.
Molecular consequence: 3 prime UTR variant. On other transcripts: intron variant (1).
Genome position (GRCh38, 1-based): chr3:180,614,375, T>G on the plus strand (A>C on the coding strand, the complement: CCDC39 is on the minus strand). VCF-style: chr3-180614375-T-G. GRCh37 (hg19) VCF-style: chr3-180332163-T-G.
Other names: c.1775-3005T>G (NM_001288582.2).
Identifiers: ClinVar variation 344241 (VCV000344241.7), dbSNP rs141409397, ClinGen allele CA10615336.
Genomic context (GRCh38, chr3:180,614,375, plus strand): 5'-TTCTAAATTTATGCTGCATTTTAAAATTGATATACAGTGTTTCTCTTACCGGTTTTTTTT[T>G]GGGGGGGTGGGGTGGGTAGGGGTTGATGCTATTTTTTGGTTAAAAATTATAGCAAAAGAA-3'

ClinVar aggregate classification (germline): Benign (1 of 4 stars; one submission).

Conditions:
Primary ciliary dyskinesia 14. Also called: CILIARY DYSKINESIA, PRIMARY, 14, WITH OR WITHOUT SITUS INVERSUS. Identifiers: Orphanet 244, MedGen C3151136, MONDO:0013434, OMIM 613807.

Allele frequency attached by ClinVar (database versions not stated): 1000 Genomes Project 0.02216; gnomAD 0.16115 and 0.16785.

Submission:

Illumina Laboratory Services, Illumina
Classification: Benign for Primary ciliary dyskinesia 14. Last evaluated: 2018-01-12. Review status: criteria provided, single submitter. Criteria: ICSL Variant Classification Criteria 13 December 2019. Collection method: clinical testing. Allele origin: germline.
Comment: This variant was observed in the ICSL laboratory as part of a predisposition screen in an ostensibly healthy population. It had not been previously curated by ICSL or reported in the Human Gene Mutation Database (HGMD: prior to June 1st, 2018), and was therefore a candidate for classification through an automated scoring system. Utilizing variant allele frequency, disease prevalence and penetrance estimates, and inheritance mode, an automated score was calculated to assess if this variant is too frequent to cause the disease. Based on the score and internal cut-off values, a variant classified as benign is not then subjected to further curation. The score for this variant resulted in a classification of benign for this disease.